The following is an entry in ClinVar:

ClinVar aggregate classification (germline): Uncertain significance. Review status: criteria provided, multiple submitters, no conflicts (2 of 4 stars). 3 submissions from 3 submitters: Uncertain significance (3). Last evaluated 2025-10-18.

Conditions:
Inborn genetic diseases. Identifiers: MedGen C0950123, MeSH D030342.
Galloway-Mowat syndrome 1 (GAMOS1). Identifiers: Orphanet 2065, Orphanet 83472, MedGen C4551772, MONDO:0033005, OMIM 251300.

Submissions (3):

Ambry Genetics
Classification: Uncertain significance for Inborn genetic diseases. Last evaluated: 2025-10-18. Review status: criteria provided, single submitter. Criteria: Ambry Variant Classification Scheme 2023. Collection method: clinical testing. Allele origin: germline.

GeneDx
Classification: Uncertain significance. Last evaluated: 2024-12-09. Review status: criteria provided, single submitter. Criteria: GeneDx Variant Classification Process June 2021. Collection method: clinical testing. Allele origin: germline. Affected: yes.
Comment: In silico analysis indicates that this missense variant does not alter protein structure/function; Has not been previously published as pathogenic or benign to our knowledge

Fulgent Genetics
Classification: Uncertain significance for Galloway-Mowat syndrome 1. Last evaluated: 2024-01-05. Review status: criteria provided, single submitter. Criteria: ACMG Guidelines, 2015. Collection method: clinical testing. Allele origin: germline.

NM_032856.5(WDR73):c.85G>C (p.Val29Leu)

Gene: WDR73 (WD repeat domain 73; minus strand). Cytogenetic location: 15q25.2.
Variant type: single nucleotide variant.
Coding change: c.85G>C on transcript NM_032856.5 (MANE Select); coding-DNA position 85, G replaced by C.
Protein change: p.Val29Leu; replaces valine 29 with leucine.
Molecular consequence: missense variant. On other transcripts: non-coding transcript variant (4).
Genome position (GRCh38, 1-based): chr15:84,653,656, C>G on the plus strand (G>C on the coding strand, the complement: WDR73 is on the minus strand). VCF-style: chr15-84653656-C-G. GRCh37 (hg19) VCF-style: chr15-85196887-C-G.
Other names: c.85G>C (NM_032856.3, NM_032856.2); short protein forms V29L.
Identifiers: ClinVar variation 3577858 (VCV003577858.3).